The following is an entry in ClinVar:

NM_152383.5(DIS3L2):c.1445G>T (p.Gly482Val)

Gene: DIS3L2 (DIS3 like 3'-5' exoribonuclease 2; plus strand). Cytogenetic location: 2q37.1.
Variant type: single nucleotide variant.
Coding change: c.1445G>T on transcript NM_152383.5 (MANE Select); coding-DNA position 1445, G replaced by T.
Protein change: p.Gly482Val; replaces glycine 482 with valine.
Molecular consequence: missense variant. On other transcripts: non-coding transcript variant (2).
Genome position (GRCh38, 1-based): chr2:232,263,226, G>T. VCF-style: chr2-232263226-G-T. GRCh37 (hg19) VCF-style: chr2-233127936-G-T.
Other names: c.1445G>T, p.Gly482Val (NM_001257281.2); short protein forms G482V.
Identifiers: ClinVar variation 2747020 (VCV002747020.3), dbSNP rs2470078991, ClinGen allele CA350975179.

ClinVar aggregate classification (germline): Uncertain significance (1 of 4 stars; one submission).

Conditions:
Perlman syndrome (PRLMNS). Identifiers: Orphanet 2849, MedGen C0796113, MONDO:0009965, OMIM 267000.

Allele frequency attached by ClinVar (database versions not stated): gnomAD exomes below 0.00001.
gnomAD v4.1: 1 of 1,614,152 alleles (0.000062%); highest among the groups gnomAD compares: Non-Finnish European, 0.000085%; no homozygotes.

Submission:

Labcorp Genetics (formerly Invitae), Labcorp
Classification: Uncertain significance for Perlman syndrome. Last evaluated: 2023-07-30. Review status: criteria provided, single submitter. Criteria: Invitae Variant Classification Sherloc (09022015). Collection method: clinical testing. Allele origin: germline.
Comment: This sequence change replaces glycine, which is neutral and non-polar, with valine, which is neutral and non-polar, at codon 482 of the DIS3L2 protein (p.Gly482Val). This variant is not present in population databases (gnomAD no frequency). This variant has not been reported in the literature in individuals affected with DIS3L2-related conditions. Advanced modeling of protein sequence and biophysical properties (such as structural, functional, and spatial information, amino acid conservation, physicochemical variation, residue mobility, and thermodynamic stability) performed at Invitae indicates that this missense variant is expected to disrupt DIS3L2 protein function. In summary, the available evidence is currently insufficient to determine the role of this variant in disease. Therefore, it has been classified as a Variant of Uncertain Significance.